The following is an entry in ClinVar:

ClinVar aggregate classification (germline): Benign/Likely benign. Review status: criteria provided, multiple submitters, no conflicts (2 of 4 stars). 3 submissions from 3 submitters: Benign (2); Likely benign (1). Last evaluated 2022-04-01.

Allele frequency attached by ClinVar (database versions not stated): 1000 Genomes Project 30x 0.00453; 1000 Genomes Project 0.00459; ExAC 0.00493; gnomAD exomes 0.00556; gnomAD 0.00568 and 0.00580; TOPMed 0.00611; ESP Exome Variant Server 0.00715.
gnomAD v4.1: 14,923 of 1,611,076 alleles (0.93%); highest among the groups gnomAD compares: Non-Finnish European, 1.2%; 83 homozygotes.

Submissions (17):

CeGaT Center for Human Genetics Tuebingen
Classification: Likely benign. Last evaluated: 2022-04-01. Review status: criteria provided, single submitter. Criteria: CeGaT Center For Human Genetics Tuebingen Variant Classification Criteria Version 2. Collection method: clinical testing. Allele origin: germline. Affected: yes. Observed: 1 variant allele.
Comment: UBE2E1: BP4, BP7, BS2

Labcorp Genetics (formerly Invitae), Labcorp
Classification: Benign. Last evaluated: 2018-05-04. Review status: criteria provided, single submitter. Criteria: Invitae Variant Classification Sherloc (09022015). Collection method: clinical testing. Allele origin: germline.

Breakthrough Genomics
Classification: Benign. Review status: criteria provided, single submitter. Criteria: ACMG Guidelines, 2015. Collection method: not provided. Allele origin: germline. Inheritance: Unknown mechanism. Affected: yes.

Dr. Peter K. Rogan Lab, Western University
No classification provided (evidence only). Condition: Clear cell carcinoma of kidney. Review status: no classification provided. Collection method: in vitro. Allele origin: not applicable. Functional consequence: skipped exon. Not counted in ClinVar's aggregate classification.

Dr. Peter K. Rogan Lab, Western University
No classification provided (evidence only). Condition: Colon adenocarcinoma. Review status: no classification provided. Collection method: in vitro. Allele origin: not applicable. Functional consequence: skipped exon. Not counted in ClinVar's aggregate classification.

Dr. Peter K. Rogan Lab, Western University
No classification provided (evidence only). Condition: Colorectal cancer. Review status: no classification provided. Collection method: in vitro. Allele origin: not applicable. Functional consequence: skipped exon. Not counted in ClinVar's aggregate classification.

Dr. Peter K. Rogan Lab, Western University
No classification provided (evidence only). Condition: Colorectal cancer. Review status: no classification provided. Collection method: in vitro. Allele origin: not applicable. Functional consequence: skipped exon. Not counted in ClinVar's aggregate classification.

Dr. Peter K. Rogan Lab, Western University
No classification provided (evidence only). Condition: Thyroid cancer, nonmedullary, 1. Review status: no classification provided. Collection method: in vitro. Allele origin: not applicable. Functional consequence: skipped exon. Not counted in ClinVar's aggregate classification.

Dr. Peter K. Rogan Lab, Western University
No classification provided (evidence only). Condition: Thyroid cancer, nonmedullary, 1. Review status: no classification provided. Collection method: in vitro. Allele origin: not applicable. Functional consequence: skipped exon. Not counted in ClinVar's aggregate classification.

Dr. Peter K. Rogan Lab, Western University
No classification provided (evidence only). Condition: Thyroid cancer, nonmedullary, 1. Review status: no classification provided. Collection method: in vitro. Allele origin: not applicable. Functional consequence: skipped exon. Not counted in ClinVar's aggregate classification.

Dr. Peter K. Rogan Lab, Western University
No classification provided (evidence only). Condition: Thyroid cancer, nonmedullary, 1. Review status: no classification provided. Collection method: in vitro. Allele origin: not applicable. Functional consequence: retained intron. Not counted in ClinVar's aggregate classification.

Dr. Peter K. Rogan Lab, Western University
No classification provided (evidence only). Condition: Thyroid cancer, nonmedullary, 1. Review status: no classification provided. Collection method: in vitro. Allele origin: not applicable. Functional consequence: retained intron. Not counted in ClinVar's aggregate classification.

Dr. Peter K. Rogan Lab, Western University
No classification provided (evidence only). Condition: Uterine corpus endometrial carcinoma. Review status: no classification provided. Collection method: in vitro. Allele origin: not applicable. Functional consequence: retained intron. Not counted in ClinVar's aggregate classification.

Dr. Peter K. Rogan Lab, Western University
No classification provided (evidence only). Condition: Cervical cancer. Review status: no classification provided. Collection method: in vitro. Allele origin: not applicable. Functional consequence: skipped exon, retained intron. Not counted in ClinVar's aggregate classification.

Dr. Peter K. Rogan Lab, Western University
No classification provided (evidence only). Condition: Sarcoma. Review status: no classification provided. Collection method: in vitro. Allele origin: not applicable. Functional consequence: skipped exon. Not counted in ClinVar's aggregate classification.

Dr. Peter K. Rogan Lab, Western University
No classification provided (evidence only). Condition: Sarcoma. Review status: no classification provided. Collection method: in vitro. Allele origin: not applicable. Functional consequence: skipped exon. Not counted in ClinVar's aggregate classification.

Dr. Peter K. Rogan Lab, Western University
No classification provided (evidence only). Condition: Ovarian serous cystadenocarcinoma. Review status: no classification provided. Collection method: in vitro. Allele origin: not applicable. Functional consequence: retained intron. Not counted in ClinVar's aggregate classification.

NM_003341.5(UBE2E1):c.219C>T (p.Gly73=)

Gene: UBE2E1 (ubiquitin conjugating enzyme E2 E1; plus strand). Cytogenetic location: 3p24.2.
Variant type: single nucleotide variant.
Coding change: c.219C>T on transcript NM_003341.5 (MANE Select); coding-DNA position 219, C replaced by T.
Protein change: p.Gly73=; no amino-acid change (glycine 73 retained).
Molecular consequence: synonymous variant.
Genome position (GRCh38, 1-based): chr3:23,887,582, C>T. VCF-style: chr3-23887582-C-T. GRCh37 (hg19) VCF-style: chr3-23929073-C-T.
Other names: NC_000003.11:g.23929073C>T; c.120C>T, p.Gly40= (NM_001202476.2); c.168C>T, p.Gly56= (NM_182666.3).
Identifiers: ClinVar variation 781706 (VCV000781706.29), dbSNP rs115996277, ClinGen allele CA2286150.